The following is an entry in ClinVar:

NM_032119.4(ADGRV1):c.4189T>A (p.Ser1397Thr)

Gene: ADGRV1 (adhesion G protein-coupled receptor V1; plus strand). Cytogenetic location: 5q14.3.
Variant type: single nucleotide variant.
Coding change: c.4189T>A on transcript NM_032119.4 (MANE Select); coding-DNA position 4189, T replaced by A.
Protein change: p.Ser1397Thr; replaces serine 1397 with threonine.
Molecular consequence: missense variant. On other transcripts: non-coding transcript variant (1).
Genome position (GRCh38, 1-based): chr5:90,653,763, T>A. VCF-style: chr5-90653763-T-A. GRCh37 (hg19) VCF-style: chr5-89949580-T-A.
Other names: short protein forms S1397T.
Identifiers: ClinVar variation 1974468 (VCV001974468.6), dbSNP rs752518561, ClinGen allele CA360401768.

ClinVar aggregate classification (germline): Uncertain significance. Review status: criteria provided, multiple submitters, no conflicts (2 of 4 stars). 2 submissions from 2 submitters: Uncertain significance (2). Last evaluated 2023-12-11.

Allele frequency attached by ClinVar (database versions not stated): TOPMed below 0.00001.

Submissions (2):

Labcorp Genetics (formerly Invitae), Labcorp
Classification: Uncertain significance. Last evaluated: 2023-12-11. Review status: criteria provided, single submitter. Criteria: Invitae Variant Classification Sherloc (09022015). Collection method: clinical testing. Allele origin: germline.
Comment: This sequence change replaces serine, which is neutral and polar, with threonine, which is neutral and polar, at codon 1397 of the ADGRV1 protein (p.Ser1397Thr). This variant is not present in population databases (gnomAD no frequency). This variant has not been reported in the literature in individuals affected with ADGRV1-related conditions. ClinVar contains an entry for this variant (Variation ID: 1974468). Advanced modeling of protein sequence and biophysical properties (such as structural, functional, and spatial information, amino acid conservation, physicochemical variation, residue mobility, and thermodynamic stability) performed at Invitae indicates that this missense variant is not expected to disrupt ADGRV1 protein function with a negative predictive value of 95%. In summary, the available evidence is currently insufficient to determine the role of this variant in disease. Therefore, it has been classified as a Variant of Uncertain Significance.

Blueprint Genetics
Classification: Uncertain significance. Last evaluated: 2021-12-03. Review status: criteria provided, single submitter. Criteria: ACMG Guidelines, 2015. Collection method: clinical testing. Allele origin: germline.